The following is an entry in ClinVar:

NM_004055.5(CAPN5):c.1106C>T (p.Pro369Leu)

Gene: CAPN5 (calpain 5; plus strand). Cytogenetic location: 11q13.5.
Variant type: single nucleotide variant.
Coding change: c.1106C>T on transcript NM_004055.5 (MANE Select); coding-DNA position 1106, C replaced by T.
Protein change: p.Pro369Leu; replaces proline 369 with leucine.
Molecular consequence: missense variant.
Genome position (GRCh38, 1-based): chr11:77,118,291, C>T. VCF-style: chr11-77118291-C-T. GRCh37 (hg19) VCF-style: chr11-76829337-C-T.
Other names: short protein forms P369L.
Identifiers: ClinVar variation 1419459 (VCV001419459.8), dbSNP rs375065696, ClinGen allele CA6196685.

ClinVar aggregate classification (germline): Uncertain significance (1 of 4 stars; one submission).

Allele frequency attached by ClinVar (database versions not stated): gnomAD 0.00002; gnomAD exomes 0.00002 and 0.00005; TOPMed 0.00002; ESP Exome Variant Server 0.00008; ExAC 0.00010; 1000 Genomes Project 30x 0.00016; 1000 Genomes Project 0.00020.
gnomAD v4.1: 33 of 1,613,420 alleles (0.002%); highest among the groups gnomAD compares: Middle Eastern, 0.05%; no homozygotes.

Submission:

Labcorp Genetics (formerly Invitae), Labcorp
Classification: Uncertain significance. Last evaluated: 2025-07-24. Review status: criteria provided, single submitter. Criteria: Invitae Variant Classification Sherloc (09022015). Collection method: clinical testing. Allele origin: germline.
Comment: This sequence change replaces proline, which is neutral and non-polar, with leucine, which is neutral and non-polar, at codon 369 of the CAPN5 protein (p.Pro369Leu). This variant is present in population databases (rs375065696, gnomAD 0.01%). This variant has not been reported in the literature in individuals affected with CAPN5-related conditions. ClinVar contains an entry for this variant (Variation ID: 1419459). An algorithm developed to predict the effect of missense changes on protein structure and function (PolyPhen-2) suggests that this variant is likely to be disruptive. In summary, the available evidence is currently insufficient to determine the role of this variant in disease. Therefore, it has been classified as a Variant of Uncertain Significance.